The following is an entry in ClinVar:

NM_018646.6(TRPV6):c.2162T>C (p.Met721Thr)

Gene: TRPV6 (transient receptor potential cation channel subfamily V member 6; minus strand). Cytogenetic location: 7q34.
Variant type: single nucleotide variant.
Coding change: c.2162T>C on transcript NM_018646.6 (MANE Select); coding-DNA position 2162, T replaced by C.
Protein change: p.Met721Thr; replaces methionine 721 with threonine.
Molecular consequence: missense variant.
Genome position (GRCh38, 1-based): chr7:142,871,843, A>G on the plus strand (T>C on the coding strand, the complement: TRPV6 is on the minus strand). VCF-style: chr7-142871843-A-G. GRCh37 (hg19) VCF-style: chr7-142569596-A-G.
Other names: p.Met721Thr; c.2162T>C (NM_018646.5); short protein forms M721T.
Identifiers: ClinVar variation 2786649 (VCV002786649.7), dbSNP rs4987682, ClinGen allele CA4532295.

ClinVar aggregate classification (germline): Benign. Review status: criteria provided, multiple submitters, no conflicts (2 of 4 stars). 4 submissions from 4 submitters: Benign (3). 1 of the submissions does not count toward it. Last evaluated 2026-02-04.

Conditions:
TRPV6-related disorder. Also called: TRPV6-related condition.

Allele frequency attached by ClinVar (database versions not stated): gnomAD exomes 0.08273; ExAC 0.10071; 1000 Genomes Project 0.19389; gnomAD 0.20263; 1000 Genomes Project 30x 0.20565; TOPMed 0.22037; ESP Exome Variant Server 0.23166.
gnomAD v4.1: 152,562 of 1,613,972 alleles (9.5%); highest among the groups gnomAD compares: African/African-American, 54%; 15,697 homozygotes.

Submissions (4):

Labcorp Genetics (formerly Invitae), Labcorp
Classification: Benign. Last evaluated: 2026-02-04. Review status: criteria provided, single submitter. Criteria: Invitae Variant Classification Sherloc (09022015). Collection method: clinical testing. Allele origin: germline.

Mayo Clinic Laboratories, Mayo Clinic
Classification: Benign. Last evaluated: 2025-08-14. Review status: criteria provided, single submitter. Criteria: ACMG Guidelines, 2015. Collection method: clinical testing. Allele origin: germline. Observed: 7 variant alleles.

Blueprint Genetics
Classification: Benign. Last evaluated: 2024-11-27. Review status: criteria provided, single submitter. Criteria: ACMG Guidelines, 2015. Collection method: clinical testing. Allele origin: germline.

PreventionGenetics, part of Exact Sciences
Classification: Benign for TRPV6-related condition. Last evaluated: 2019-10-16. Review status: no assertion criteria provided. Collection method: clinical testing. Allele origin: germline. Not counted in ClinVar's aggregate classification.
Comment: This variant is classified as benign based on ACMG/AMP sequence variant interpretation guidelines (Richards et al. 2015 PMID: 25741868, with internal and published modifications).